The following is an entry in ClinVar:

ClinVar aggregate classification (germline): Uncertain significance. Review status: criteria provided, multiple submitters, no conflicts (2 of 4 stars). 8 submissions from 8 submitters: Uncertain significance (6). 2 of the submissions do not count toward it. Last evaluated 2026-01-25.

Conditions:
Familial melanoma. Also called: Hereditary melanoma; Hereditary cutaneous melanoma. Identifiers: Orphanet 618, MedGen C1512419, MONDO:0018961.
Melanoma, cutaneous malignant, susceptibility to, 5. Also called: Cutaneous malignant melanoma 5. Identifiers: Orphanet 618, MedGen C2751295, MONDO:0013133, OMIM 613099.

Submissions (8):

Labcorp Genetics (formerly Invitae), Labcorp
Classification: Uncertain significance for Melanoma, cutaneous malignant, susceptibility to, 5. Last evaluated: 2026-01-25. Review status: criteria provided, single submitter. Criteria: Invitae Variant Classification Sherloc (09022015). Collection method: clinical testing. Allele origin: germline.
Comment: This sequence change creates a premature translational stop signal (p.Asn29Lysfs*14) in the MC1R gene. It is expected to result in an absent or disrupted protein product. However, the current clinical and genetic evidence is not sufficient to establish whether loss-of-function variants in MC1R cause disease. This variant is present in population databases (rs312262906, gnomAD 0.4%), and has an allele count higher than expected for a pathogenic variant. This premature translational stop signal has been observed in individual(s) with melanoma (PMID: 15221796, 16567973, 24982914). ClinVar contains an entry for this variant (Variation ID: 239162). In summary, the available evidence is currently insufficient to determine the role of this variant in disease. Therefore, it has been classified as a Variant of Uncertain Significance.

ARUP Laboratories, Molecular Genetics and Genomics, ARUP Laboratories
Classification: Uncertain significance. Last evaluated: 2025-03-18. Review status: criteria provided, single submitter. Criteria: ARUP Molecular Germline Variant Investigation Process 2024. Collection method: clinical testing. Allele origin: germline.
Comment: The MC1R c.86dup, p.Asn29LysfsTer14 variant (rs796296176, ClinVar Variation ID: 239162) is reported in the literature in multiple individuals with melanoma (Fargnoli 2006, Hu 2014, Pastorino 2004). This variant is found in the general population with an overall allele frequency of 0.2% (543/277332 alleles) in the Genome Aggregation Database (v2.1.1). This variant results in a premature termination codon in the MC1R gene, which is composed of a single exon. While this may not lead to nonsense-mediated decay, it is expected to create a truncated protein. However, loss of function variants in MC1R have not been previously associated with susceptibility to melanoma. Due to limited information, the clinical significance of this variant is uncertain at this time. References: Fargnoli MC et al. Contribution of melanocortin-1 receptor gene variants to sporadic cutaneous melanoma risk in a population in central Italy: a case-control study. Melanoma Res. 2006 Apr;16(2):175-82. PMID: 16567973. Hu HH et al. A large French case-control study emphasizes the role of rare Mc1R variants in melanoma risk. Biomed Res Int. 2014;2014:925716. Epub 2014 Apr 10. PMID: 24982914. Pastorino L et al. Novel MC1R variants in Ligurian melanoma patients and controls. Hum Mutat. 2004 Jul;24(1):103. PMID: 15221796.

Mayo Clinic Laboratories, Mayo Clinic
Classification: Uncertain significance. Last evaluated: 2024-02-14. Review status: criteria provided, single submitter. Criteria: ACMG Guidelines, 2015. Collection method: clinical testing. Allele origin: germline. Observed: 1 variant allele.

Department of Pathology and Laboratory Medicine, Sinai Health System
Classification: Uncertain significance for Familial melanoma. Last evaluated: 2022-09-26. Review status: criteria provided, single submitter. Criteria: ACMG Guidelines, 2015. Collection method: research. Allele origin: germline.

CeGaT Center for Human Genetics Tuebingen
Classification: Uncertain significance. Last evaluated: 2016-12-01. Review status: criteria provided, single submitter. Criteria: CeGaT Center For Human Genetics Tuebingen Variant Classification Criteria Version 2. Collection method: clinical testing. Allele origin: germline. Affected: yes. Observed: 1 variant allele.

Breakthrough Genomics
Classification: Uncertain significance. Review status: criteria provided, single submitter. Criteria: ACMG Guidelines, 2015. Collection method: not provided. Allele origin: germline. Inheritance: Autosomal recessive inheritance. Affected: yes.

Clinical Genetics DNA and cytogenetics Diagnostics Lab, Erasmus MC, Erasmus Medical Center
Classification: Uncertain significance. Review status: no assertion criteria provided. Collection method: clinical testing. Allele origin: germline. Affected: yes. Study: VKGL Data-share Consensus. Not counted in ClinVar's aggregate classification.

Laboratory of Diagnostic Genome Analysis, Leiden University Medical Center (LUMC)
Classification: Uncertain significance. Review status: no assertion criteria provided. Collection method: clinical testing. Allele origin: germline. Affected: yes. Study: VKGL Data-share Consensus. Not counted in ClinVar's aggregate classification.

Literature cited by the submitters: PubMed 15221796 (cited by Labcorp Genetics (formerly Invitae), Labcorp); PubMed 16567973 (cited by Labcorp Genetics (formerly Invitae), Labcorp); PubMed 24982914 (cited by Labcorp Genetics (formerly Invitae), Labcorp and Mayo Clinic Laboratories, Mayo Clinic); PubMed 11030758 (cited by Mayo Clinic Laboratories, Mayo Clinic).

NM_002386.4(MC1R):c.86dup (p.Asn29fs)

Gene: MC1R (melanocortin 1 receptor; plus strand). Cytogenetic location: 16q24.3.
Variant type: Duplication.
Coding change: c.86dup on transcript NM_002386.4 (MANE Select); coding-DNA position 86, one base duplicated (A; older notation c.86dupA).
Protein change: p.Asn29fs; shifts the reading frame from asparagine 29.
Molecular consequence: frameshift variant.
Genome position (GRCh38, 1-based): chr16:89,919,344, A duplicated; the last of 2 consecutive A bases (chr16:89,919,343-89,919,344); duplicating either gives the same sequence. VCF-style (leftmost placement, unchanged base first): chr16-89919342-C-CA. GRCh37 (hg19) VCF-style: chr16-89985750-C-CA.
Other names: p.Asn29Lysfs*14; c.86dupA (NM_002386.3); short protein forms N29fs.
Identifiers: ClinVar variation 239162 (VCV000239162.60), dbSNP rs796296176, ClinGen allele CA8255480.